The following is an entry in ClinVar:

NM_058216.3(RAD51C):c.226G>A (p.Ala76Thr)

Gene: RAD51C (RAD51 paralog C; plus strand). Cytogenetic location: 17q22.
Variant type: single nucleotide variant.
Coding change: c.226G>A on transcript NM_058216.3 (MANE Select); coding-DNA position 226, G replaced by A.
Protein change: p.Ala76Thr; replaces alanine 76 with threonine.
Molecular consequence: missense variant. On other transcripts: non-coding transcript variant (2).
Genome position (GRCh38, 1-based): chr17:58,695,011, G>A. VCF-style: chr17-58695011-G-A. GRCh37 (hg19) VCF-style: chr17-56772372-G-A.
Other names: c.226G>A, p.Ala76Thr (NM_002876.4); c.226G>A (NM_058216.1); short protein forms A76T.
Identifiers: ClinVar variation 956886 (VCV000956886.10), dbSNP rs1598455619, ClinGen allele CA400340179.
Genomic context (GRCh38, chr17:58,695,011, plus strand): 5'-GAAGCCTTAGAAACTCTGCAAATTATCAGAAGAGAATGTCTCACAAATAAACCAAGATAT[G>A]CTGGTACATCTGAGTCACACAAGAAGTGTACAGCACTGGAACTTCTTGAGCAGGAGCATA-3'
Protein context (NP_478123.1, residues 66-86): RECLTNKPRY[Ala76Thr]GTSESHKKCT

ClinVar aggregate classification (germline): Uncertain significance. Review status: criteria provided, multiple submitters, no conflicts (2 of 4 stars). 2 submissions from 2 submitters: Uncertain significance (2). Last evaluated 2026-01-13.

Conditions:
Fanconi anemia complementation group O. Also called: RAD51C-Related Fanconi Anemia. Identifiers: Orphanet 84, MedGen C3150653, MONDO:0013248, OMIM 613390.
Hereditary cancer-predisposing syndrome. Also called: Tumor predisposition; Hereditary neoplastic syndrome; Hereditary Cancer Syndrome; Neoplastic Syndromes, Hereditary. Identifiers: Orphanet 140162, MedGen C0027672, MeSH D009386, MONDO:0015356.

Submissions (2):

Ambry Genetics
Classification: Uncertain significance for Hereditary cancer-predisposing syndrome. Last evaluated: 2026-01-13. Review status: criteria provided, single submitter. Criteria: Ambry Variant Classification Scheme 2023. Collection method: clinical testing. Allele origin: germline.
Comment: The p.A76T variant (also known as c.226G>A), located in coding exon 2 of the RAD51C gene, results from a G to A substitution at nucleotide position 226. The alanine at codon 76 is replaced by threonine, an amino acid with similar properties. This amino acid position is conserved. In addition, this alteration is predicted to be tolerated by in silico analysis. Based on the available evidence, the clinical significance of this variant remains unclear.

Labcorp Genetics (formerly Invitae), Labcorp
Classification: Uncertain significance for Fanconi anemia complementation group O. Last evaluated: 2022-07-13. Review status: criteria provided, single submitter. Criteria: Invitae Variant Classification Sherloc (09022015). Collection method: clinical testing. Allele origin: germline.
Comment: This sequence change replaces alanine, which is neutral and non-polar, with threonine, which is neutral and polar, at codon 76 of the RAD51C protein (p.Ala76Thr). This variant is not present in population databases (gnomAD no frequency). This variant has not been reported in the literature in individuals affected with RAD51C-related conditions. ClinVar contains an entry for this variant (Variation ID: 956886). Algorithms developed to predict the effect of missense changes on protein structure and function are either unavailable or do not agree on the potential impact of this missense change (SIFT: "Deleterious"; PolyPhen-2: "Benign"; Align-GVGD: "Class C0"). In summary, the available evidence is currently insufficient to determine the role of this variant in disease. Therefore, it has been classified as a Variant of Uncertain Significance.